The following is an entry in ClinVar:

ClinVar aggregate classification (germline): Uncertain significance (1 of 4 stars; one submission).

Submission:

Labcorp Genetics (formerly Invitae), Labcorp
Classification: Uncertain significance. Last evaluated: 2024-05-26. Review status: criteria provided, single submitter. Criteria: Invitae Variant Classification Sherloc (09022015). Collection method: clinical testing. Allele origin: germline.
Comment: This sequence change creates a premature translational stop signal (p.Ala23Leufs*6) in the PMP2 gene. It is expected to result in an absent or disrupted protein product. However, the current clinical and genetic evidence is not sufficient to establish whether loss-of-function variants in PMP2 cause disease. This variant is not present in population databases (gnomAD no frequency). This variant has not been reported in the literature in individuals affected with PMP2-related conditions. In summary, the available evidence is currently insufficient to determine the role of this variant in disease. Therefore, it has been classified as a Variant of Uncertain Significance.

NM_002677.5(PMP2):c.66del (p.Ala23fs)

Gene: PMP2 (peripheral myelin protein 2; minus strand). Cytogenetic location: 8q21.13.
Variant type: Deletion.
Coding change: c.66del on transcript NM_002677.5 (MANE Select); coding-DNA position 66, one base deleted (A; older notation c.66delA).
Protein change: p.Ala23fs; shifts the reading frame from alanine 23.
Molecular consequence: frameshift variant.
Genome position (GRCh38, 1-based): chr8:81,447,321, T deleted on the plus strand (A on the coding strand, the reverse complement: PMP2 is on the minus strand); the first of 3 consecutive T bases (chr8:81,447,321-81,447,323); deleting any one gives the same sequence. VCF-style (leftmost placement, unchanged base first): chr8-81447320-CT-C. GRCh37 (hg19) VCF-style: chr8-82359555-CT-C.
Other names: c.66del, p.Ala23fs (NM_001348381.2); short protein forms A23fs.
Identifiers: ClinVar variation 3690261 (VCV003690261.2).